The following is an entry in ClinVar:

ClinVar aggregate classification (germline): Uncertain significance. Review status: criteria provided, multiple submitters, no conflicts (2 of 4 stars). 3 submissions from 3 submitters: Uncertain significance (3). Last evaluated 2025-12-19.

Conditions:
Inborn genetic diseases. Identifiers: MedGen C0950123, MeSH D030342.
Kabuki syndrome 2 (KABUK2). Also called: KDM6A-Related Kabuki Syndrome. Identifiers: Orphanet 2322, MedGen C3275495, MONDO:0010465, OMIM 300867.

Allele frequency attached by ClinVar (database versions not stated): TOPMed 0.00001.
gnomAD v4.1: 4 of 1,205,571 alleles (0.00033%); highest among the groups gnomAD compares: Non-Finnish European, 0.00045%; no homozygotes.

Submissions (3):

Labcorp Genetics (formerly Invitae), Labcorp
Classification: Uncertain significance for Kabuki syndrome 2. Last evaluated: 2025-12-19. Review status: criteria provided, single submitter. Criteria: Invitae Variant Classification Sherloc (09022015). Collection method: clinical testing. Allele origin: germline.
Comment: This sequence change replaces serine, which is neutral and polar, with tryptophan, which is neutral and slightly polar, at codon 7 of the KDM6A protein (p.Ser7Trp). This variant is not present in population databases (gnomAD no frequency). This variant has not been reported in the literature in individuals affected with KDM6A-related conditions. ClinVar contains an entry for this variant (Variation ID: 1214187). Invitae Evidence Modeling of protein sequence and biophysical properties (such as structural, functional, and spatial information, amino acid conservation, physicochemical variation, residue mobility, and thermodynamic stability) indicates that this missense variant is not expected to disrupt KDM6A protein function with a negative predictive value of 95%. In summary, the available evidence is currently insufficient to determine the role of this variant in disease. Therefore, it has been classified as a Variant of Uncertain Significance.

Ambry Genetics
Classification: Uncertain significance for Inborn genetic diseases. Last evaluated: 2023-07-26. Review status: criteria provided, single submitter. Criteria: Ambry Variant Classification Scheme 2023. Collection method: clinical testing. Allele origin: germline.

GeneDx
Classification: Uncertain significance. Last evaluated: 2020-12-22. Review status: criteria provided, single submitter. Criteria: GeneDx Variant Classification Process June 2021. Collection method: clinical testing. Allele origin: germline. Affected: yes.
Comment: In silico analysis supports that this missense variant has a deleterious effect on protein structure/function; Has not been previously published as pathogenic or benign to our knowledge

NM_001291415.2(KDM6A):c.20C>G (p.Ser7Trp)

Gene: KDM6A (lysine demethylase 6A; plus strand). Cytogenetic location: Xp11.3.
Variant type: single nucleotide variant.
Coding change: c.20C>G on transcript NM_001291415.2 (MANE Select); coding-DNA position 20, C replaced by G.
Protein change: p.Ser7Trp; replaces serine 7 with tryptophan.
Molecular consequence: missense variant. On other transcripts: 5 prime UTR variant (1), non-coding transcript variant (1).
Genome position (GRCh38, 1-based): chrX:44,873,571, C>G. VCF-style: chrX-44873571-C-G. GRCh37 (hg19) VCF-style: chrX-44732817-C-G.
Other names: c.20C>G, p.Ser7Trp (NM_001291416.2, NM_001291417.2, NM_001291418.2 and 1 more transcripts); c.-613C>G (NM_001291421.2); short protein forms S7W.
Identifiers: ClinVar variation 1214187 (VCV001214187.6), dbSNP rs770931883, ClinGen allele CA10392090.